The following is an entry in ClinVar:

NM_022168.4(IFIH1):c.810A>C (p.Leu270Phe)

Gene: IFIH1 (interferon induced with helicase C domain 1; minus strand). Cytogenetic location: 2q24.2.
Variant type: single nucleotide variant.
Coding change: c.810A>C on transcript NM_022168.4 (MANE Select); coding-DNA position 810, A replaced by C.
Protein change: p.Leu270Phe; replaces leucine 270 with phenylalanine.
Molecular consequence: missense variant.
Genome position (GRCh38, 1-based): chr2:162,293,628, T>G on the plus strand (A>C on the coding strand, the complement: IFIH1 is on the minus strand). VCF-style: chr2-162293628-T-G. GRCh37 (hg19) VCF-style: chr2-163150138-T-G.
Other names: short protein forms L270F.
Identifiers: ClinVar variation 1957573 (VCV001957573.5), dbSNP rs1393234427, ClinGen allele CA349006077.

ClinVar aggregate classification (germline): Uncertain significance (1 of 4 stars; one submission).

Conditions:
Aicardi-Goutieres syndrome 7 (AGS7). Identifiers: Orphanet 51, MedGen C3888244, MONDO:0014367, OMIM 615846.
Singleton-Merten syndrome 1 (SGMRT1). Also called: Widened medullary cavities of bone, aortic calcification, abnormal dentition, and muscular weakness; Syndrome of widened medullary cavities of the metacarpals and phalanges, aortic calcification and abnormal dentition. Identifiers: Orphanet 85191, MedGen C4225427, MONDO:0024535, OMIM 182250.

Allele frequency attached by ClinVar (database versions not stated): gnomAD 0.00001; gnomAD exomes below 0.00001.
gnomAD v4.1: 3 of 1,611,812 alleles (0.00019%); highest among the groups gnomAD compares: Admixed American, 0.0017%; no homozygotes.

Submission:

Labcorp Genetics (formerly Invitae), Labcorp
Classification: Uncertain significance for Aicardi-Goutieres syndrome 7; Singleton-Merten syndrome 1. Last evaluated: 2025-03-20. Review status: criteria provided, single submitter. Criteria: Invitae Variant Classification Sherloc (09022015). Collection method: clinical testing. Allele origin: germline.
Comment: This sequence change replaces leucine, which is neutral and non-polar, with phenylalanine, which is neutral and non-polar, at codon 270 of the IFIH1 protein (p.Leu270Phe). This variant is present in population databases (no rsID available, gnomAD 0.003%). This variant has not been reported in the literature in individuals affected with IFIH1-related conditions. ClinVar contains an entry for this variant (Variation ID: 1957573). An algorithm developed to predict the effect of missense changes on protein structure and function outputs the following: PolyPhen-2: "Benign". The phenylalanine amino acid residue is found in multiple mammalian species, which suggests that this missense change does not adversely affect protein function. In summary, the available evidence is currently insufficient to determine the role of this variant in disease. Therefore, it has been classified as a Variant of Uncertain Significance.